The following is an entry in ClinVar:

ClinVar aggregate classification (germline): Likely pathogenic (1 of 4 stars; one submission).

Conditions:
Holoprosencephaly 2 (HPE2). Identifiers: Orphanet 2162, MedGen C1834877, MONDO:0007999, OMIM 157170.

Submission:

Institute of Human Genetics, University of Leipzig Medical Center
Classification: Likely pathogenic for Holoprosencephaly 2. Last evaluated: 2025-03-04. Review status: criteria provided, single submitter. Criteria: ACMG Guidelines, 2015. Collection method: clinical testing. Allele origin: maternal. Inheritance: Autosomal dominant inheritance. Affected: yes.
Comment: Criteria applied: PM2,PP2,PM5,PP3

NM_005413.4(SIX3):c.401C>A (p.Ala134Glu)

Gene: SIX3 (SIX homeobox 3; plus strand). Cytogenetic location: 2p21.
Variant type: single nucleotide variant.
Coding change: c.401C>A on transcript NM_005413.4 (MANE Select); coding-DNA position 401, C replaced by A.
Protein change: p.Ala134Glu; replaces alanine 134 with glutamic acid.
Molecular consequence: missense variant.
Genome position (GRCh38, 1-based): chr2:44,942,505, C>A. VCF-style: chr2-44942505-C-A. GRCh37 (hg19) VCF-style: chr2-45169644-C-A.
Other names: short protein forms A134E.
Identifiers: ClinVar variation 3359075 (VCV003359075.3).
Genomic context (GRCh38, chr2:44,942,505, plus strand): 5'-CGCTGCCCGTGGCCCCCGGGGCGTGCGAGGCCATCAACAAACACGAGTCGATCCTGCGCG[C>A]GCGCGCCGTGGTCGCCTTCCACACGGGCAACTTCCGCGACCTCTACCACATCCTTGAGAA-3'
Protein context (NP_005404.1, residues 124-144): AINKHESILR[Ala134Glu]RAVVAFHTGN